The following is an entry in ClinVar:

NM_001613.4(ACTA2):c.554G>A (p.Arg185Gln)

Gene: ACTA2 (actin alpha 2, smooth muscle; minus strand). Cytogenetic location: 10q23.31.
Variant type: single nucleotide variant.
Coding change: c.554G>A on transcript NM_001613.4 (MANE Select); coding-DNA position 554, G replaced by A.
Protein change: p.Arg185Gln; replaces arginine 185 with glutamine.
Molecular consequence: missense variant.
Genome position (GRCh38, 1-based): chr10:88,941,291, C>T on the plus strand (G>A on the coding strand, the complement: ACTA2 is on the minus strand). VCF-style: chr10-88941291-C-T. GRCh37 (hg19) VCF-style: chr10-90701048-C-T.
Other names: c.554G>A, p.Arg185Gln (NM_001141945.3, NM_001320855.2, NM_001406462.1 and 3 more transcripts); c.443G>A, p.Arg148Gln (NM_001406466.1); c.425G>A, p.Arg142Gln (NM_001406467.1, NM_001406468.1, NM_001406469.1); short protein forms R185Q, R142Q, R148Q.
Identifiers: ClinVar variation 381615 (VCV000381615.17), dbSNP rs1057521105, ClinGen allele CA16605730.

ClinVar aggregate classification (germline): Conflicting classifications of pathogenicity. Review status: criteria provided, conflicting classifications (1 of 4 stars). 4 submissions from 4 submitters: Pathogenic (1); Uncertain significance (3). Last evaluated 2026-05-07.

Conditions:
Aortic aneurysm, familial thoracic 6 (AAT6). Also called: FAMILIAL THORACIC AORTIC ANEURYSM WITH LIVEDO RETICULARIS AND IRIS FLOCCULI. Identifiers: MedGen C2673186, MONDO:0012730, OMIM 611788.
Familial thoracic aortic aneurysm and aortic dissection (TAAD). Also called: Thoracic aortic aneurysms and dissections. Identifiers: Orphanet 91387, MedGen C4707243, MONDO:0019625.

Allele frequency attached by ClinVar (database versions not stated): gnomAD exomes below 0.00001; gnomAD 0.00001.
gnomAD v4.1: 2 of 1,611,806 alleles (0.00012%); highest among the groups gnomAD compares: Non-Finnish European, 0.000085%; no homozygotes.

Submissions (4):

Ambry Genetics
Classification: Uncertain significance for Familial thoracic aortic aneurysm and aortic dissection. Last evaluated: 2026-05-07. Review status: criteria provided, single submitter. Criteria: Ambry Variant Classification Scheme 2023. Collection method: clinical testing. Allele origin: germline.
Comment: The p.R185Q variant (also known as c.554G>A), located in coding exon 5 of the ACTA2 gene, results from a G to A substitution at nucleotide position 554. The arginine at codon 185 is replaced by glutamine, an amino acid with highly similar properties. This variant was reported in individual(s) with features consistent with ACTA2-related vascular disorders (Guo DC et al. Am J Hum Genet, 2009 May;84:617-27). This amino acid position is highly conserved in available vertebrate species. In addition, this alteration is predicted to be deleterious by in silico analysis. Based on the available evidence, the clinical significance of this variant remains unclear.

GeneDx
Classification: Uncertain significance. Last evaluated: 2025-09-25. Review status: criteria provided, single submitter. Criteria: GeneDx Variant Classification Process June 2021. Collection method: clinical testing. Allele origin: germline. Affected: yes.
Comment: Identified in one Hispanic family with seven individuals who harbored the p.(R185Q) variant; however, only two were diagnosed with TAAD and three were found to have early-onset coronary artery disease (PMID: 19409525); Identified nine individuals from two families who harbored the p.(R185Q) variant and regression analysis found that this variant was associated with a significantly lower risk for aortic events compared to other ACTA2 variants (PMID: 25759435); Not observed at significant frequency in large population cohorts (gnomAD); In silico analysis supports that this missense variant has a deleterious effect on protein structure/function; This variant is associated with the following publications: (PMID: 26934405, 27551047, 26724508, 20689142, 21248741, 31752940, PapatheodorouE2022[Review], 36437915, 19409525, 25759435)

Labcorp Genetics (formerly Invitae), Labcorp
Classification: Pathogenic for Aortic aneurysm, familial thoracic 6. Last evaluated: 2025-09-21. Review status: criteria provided, single submitter. Criteria: Invitae Variant Classification Sherloc (09022015). Collection method: clinical testing. Allele origin: germline.
Comment: This sequence change replaces arginine, which is basic and polar, with glutamine, which is neutral and polar, at codon 185 of the ACTA2 protein (p.Arg185Gln). This variant is not present in population databases (gnomAD no frequency). This missense change has been observed in individuals with ACTA2-related conditions (PMID: 19409525, 25759435; internal data). ClinVar contains an entry for this variant (Variation ID: 381615). Invitae Evidence Modeling of protein sequence and biophysical properties (such as structural, functional, and spatial information, amino acid conservation, physicochemical variation, residue mobility, and thermodynamic stability) indicates that this missense variant is not expected to disrupt ACTA2 protein function with a negative predictive value of 80%. For these reasons, this variant has been classified as Pathogenic.

Blueprint Genetics
Classification: Uncertain significance. Last evaluated: 2023-08-28. Review status: criteria provided, single submitter. Criteria: ACMG Guidelines, 2015. Collection method: clinical testing. Allele origin: germline.

Literature cited by the submitters: PubMed 19409525 (cited by Ambry Genetics and Labcorp Genetics (formerly Invitae), Labcorp); PubMed 25759435 (cited by Labcorp Genetics (formerly Invitae), Labcorp).